The following is an entry in ClinVar:

NM_000059.4(BRCA2):c.7691C>G (p.Thr2564Ser)

Gene: BRCA2 (BRCA2 DNA repair associated; plus strand). Cytogenetic location: 13q13.1.
Variant type: single nucleotide variant.
Coding change: c.7691C>G on transcript NM_000059.4 (MANE Select); coding-DNA position 7691, C replaced by G.
Protein change: p.Thr2564Ser; replaces threonine 2564 with serine.
Molecular consequence: missense variant.
Genome position (GRCh38, 1-based): chr13:32,357,815, C>G. VCF-style: chr13-32357815-C-G. GRCh37 (hg19) VCF-style: chr13-32931952-C-G.
Other names: short protein forms T2564S.
Identifiers: ClinVar variation 418684 (VCV000418684.21), dbSNP rs431825355, ClinGen allele CA6941132.
Genomic context (GRCh38, chr13:32,357,815, plus strand): 5'-GCGTTTCTAAACATTGCATAAAAATTAACAGCAAAAATGCAGAGTCTTTTCAGTTTCACA[C>G]TGAAGATTATTTTGGTAAGGAAAGTTTATGGACTGGAAAAGGAATACAGTTGGCTGATGG-3'
Protein context (NP_000050.3, residues 2554-2574): SKNAESFQFH[Thr2564Ser]EDYFGKESLW

ClinVar aggregate classification (germline): Uncertain significance. Review status: criteria provided, multiple submitters, no conflicts (2 of 4 stars). 6 submissions from 6 submitters: Uncertain significance (6). Last evaluated 2026-01-05.

Conditions:
Hereditary cancer-predisposing syndrome. Also called: Hereditary neoplastic syndrome; Tumor predisposition; Neoplastic Syndromes, Hereditary; Hereditary Cancer Syndrome. Identifiers: Orphanet 140162, MedGen C0027672, MeSH D009386, MONDO:0015356.
Hereditary breast ovarian cancer syndrome. Also called: Hereditary breast and ovarian cancer; Hereditary breast and/or ovarian cancer syndrome; Hereditary breast and ovarian cancer syndrome; Hereditary breast and ovarian cancer syndrome (HBOC); Breast and ovarian cancer; BRCA1- and BRCA2-Associated Hereditary Breast and Ovarian Cancer. Identifiers: Orphanet 145, MedGen C0677776, MeSH D061325, MONDO:0003582. Disease mechanism: loss of function.
BRCA2-related cancer predisposition. Identifiers: MedGen CN377758, MONDO:0700269.

Allele frequency attached by ClinVar (database versions not stated): gnomAD exomes 0.00001; ExAC 0.00003.
gnomAD v4.1: 5 of 1,613,694 alleles (0.00031%); highest among the groups gnomAD compares: East Asian, 0.011%; no homozygotes.

Submissions (6):

Labcorp Genetics (formerly Invitae), Labcorp
Classification: Uncertain significance for Hereditary breast ovarian cancer syndrome. Last evaluated: 2026-01-05. Review status: criteria provided, single submitter. Criteria: Invitae Variant Classification Sherloc (09022015). Collection method: clinical testing. Allele origin: germline.
Comment: This sequence change replaces threonine, which is neutral and polar, with serine, which is neutral and polar, at codon 2564 of the BRCA2 protein (p.Thr2564Ser). This variant is present in population databases (rs431825355, gnomAD 0.03%). This missense change has been observed in individual(s) with breast cancer (PMID: 27124784, 31837001, 31907386). ClinVar contains an entry for this variant (Variation ID: 418684). Invitae Evidence Modeling of protein sequence and biophysical properties (such as structural, functional, and spatial information, amino acid conservation, physicochemical variation, residue mobility, and thermodynamic stability) indicates that this missense variant is not expected to disrupt BRCA2 protein function with a negative predictive value of 95%. In summary, the available evidence is currently insufficient to determine the role of this variant in disease. Therefore, it has been classified as a Variant of Uncertain Significance.

Institute for Biomarker Research, Medical Diagnostic Laboratories, L.L.C.
Classification: Uncertain significance for Hereditary breast ovarian cancer syndrome. Last evaluated: 2025-01-15. Review status: criteria provided, single submitter. Criteria: ACMG Guidelines, 2015. Collection method: clinical testing. Allele origin: germline.
Comment: The missense variant NM_000059.4(BRCA2):c.7691C>G (p.Thr2564Ser) has not been reported previously as a pathogenic variant nor as a benign variant, to our knowledge. There is a small physicochemical difference between threonine and serine, which is not likely to impact secondary protein structure as these residues share similar properties. The gene BRCA2 has a low rate of benign missense variation as indicated by a high missense variants Z-Score of 1.00. The p.Thr2564Ser missense variant is predicted to be tolerated by both SIFT or PolyPhen2. For these reasons, this variant has been classified as Uncertain Significance

Ambry Genetics
Classification: Uncertain significance for Hereditary cancer-predisposing syndrome. Last evaluated: 2024-08-26. Review status: criteria provided, single submitter. Criteria: Ambry Variant Classification Scheme 2023. Collection method: clinical testing. Allele origin: germline.
Comment: The p.T2564S variant (also known as c.7691C>G), located in coding exon 15 of the BRCA2 gene, results from a C to G substitution at nucleotide position 7691. The threonine at codon 2564 is replaced by serine, an amino acid with similar properties. This alteration was identified in two individuals from a cohort of 715 Korean breast cancer patients and classified as likely benign using ACMG's standards for variant classification based population data, computational data, functional data, clinical phenotype and segregation information (Park KS et al. Genet. Med., 2016 12;18:1250-1257). In a case control study, this variant was reported in 4/60,466 breast cancer cases and in 2/53,461 controls (Dorling et al. N Engl J Med. 2021 02;384:428-439). The alteration has also been described in other individuals diagnosed with breast and/or ovarian cancer (So MK et al. Breast Cancer, 2019 Jul;26:510-519, Kim HK et al. J Hum Genet, 2020 Mar;65:209-220), but also in unaffected controls (Dong H et al. J Med Genet, 2021 08;58:565-569). This amino acid position is poorly conserved in available vertebrate species. In addition, this alteration is predicted to be tolerated by in silico analysis. Based on the available evidence, the clinical significance of this variant remains unclear.

All of Us Research Program, National Institutes of Health
Classification: Uncertain significance for BRCA2-related cancer predisposition. Last evaluated: 2024-03-04. Review status: criteria provided, single submitter. Criteria: ACMG Guidelines, 2015. Collection method: clinical testing. Allele origin: germline. Inheritance: Autosomal dominant inheritance. Observed: 1 variant allele, 1 heterozygote.
Comment: This missense variant replaces threonine with serine at codon 2564 of the BRCA2 protein. Computational prediction suggests that this variant may not impact protein structure and function (internally defined REVEL score threshold <= 0.5, PMID: 27666373). To our knowledge, functional studies have not been reported for this variant. This variant has been reported in individuals affected with breast cancer (PMID: 27124784, 33471991). In a large breast cancer case-control study conducted by the BRIDGES consortium, this variant was reported in 4/60466 cases and 2/53461 unaffected controls, showing inconclusive association with disease (OR=1.768 (95%CI 0.324 to 9.655); p-value=0.691; Leiden Open Variation Database DB-ID BRCA2_008617) (PMID: 33471991). This variant has been identified in 3/251304 chromosomes in the general population by the Genome Aggregation Database (gnomAD). The available evidence is insufficient to determine the role of this variant in disease conclusively. Therefore, this variant is classified as a Variant of Uncertain Significance.

This study involves interpretation of variants in research participants for the purpose of population health screening. Participant phenotype was not available at the time of variant classification. Additional details can be found in publication PMID: 35346344, PMCID: PMC8962531

Quest Diagnostics Nichols Institute San Juan Capistrano
Classification: Uncertain significance. Last evaluated: 2023-08-21. Review status: criteria provided, single submitter. Criteria: Quest Diagnostics criteria. Collection method: clinical testing. Allele origin: unknown.
Comment: In the published literature, this variant has been reported in individuals with breast/ovarian cancer (PMIDs: 31907386 (2020), 31837001 (2020), 30725392 (2019), 30287823 (2018), 27124784 (2016)), and in unaffected control individuals (PMIDs: 32467295 (2020), 33471991 (2021)). This variant has also been described to be located in a region of the BRCA2 gene that is tolerant to missense sequence changes (PMID: 31911673 (2020)). The frequency of this variant in the general population, 0.00016 (3/18392 chromosomes (Genome Aggregation Database)), is uninformative in the assessment of its pathogenicity. Analysis of this variant using bioinformatics tools for the prediction of the effect of amino acid changes on protein structure and function yielded predictions that this variant is benign. Based on the available information, we are unable to determine the clinical significance of this variant.

GeneDx
Classification: Uncertain significance. Last evaluated: 2023-06-28. Review status: criteria provided, single submitter. Criteria: GeneDx Variant Classification Process June 2021. Collection method: clinical testing. Allele origin: germline. Affected: yes.
Comment: Observed in individuals with breast or ovarian cancer, and in unaffected controls (Park et al., 2016; So et al., 2019; Guo et al., 2020; Kim et al., 2020; Dorling et al., 2021); In silico analysis supports that this missense variant does not alter protein structure/function; Not observed at significant frequency in large population cohorts (gnomAD); Also known as 7919C>G; This variant is associated with the following publications: (PMID: 12228710, 30725392, 29884841, 32467295, 32377563, 33471991, 31837001, 31907386, 32566972, 27124784)

Literature cited by the submitters: PubMed 27124784 (cited by 4 submitters); PubMed 31837001 (cited by 3 submitters); PubMed 31907386 (cited by 3 submitters); PubMed 30725392 (cited by Ambry Genetics and Quest Diagnostics Nichols Institute San Juan Capistrano); PubMed 32467295 (cited by Ambry Genetics and Quest Diagnostics Nichols Institute San Juan Capistrano); PubMed 32566972 (cited by Ambry Genetics); PubMed 33471991 (cited by 3 submitters); PubMed 30287823 (cited by Quest Diagnostics Nichols Institute San Juan Capistrano); PubMed 31911673 (cited by Quest Diagnostics Nichols Institute San Juan Capistrano).